The following is an entry in ClinVar:

NM_001876.4(CPT1A):c.844del (p.Tyr282fs)

Gene: CPT1A (carnitine palmitoyltransferase 1A; minus strand). Cytogenetic location: 11q13.3.
Variant type: Deletion.
Coding change: c.844del on transcript NM_001876.4 (MANE Select); coding-DNA position 844, one base deleted (T; older notation c.844delT).
Protein change: p.Tyr282fs; shifts the reading frame from tyrosine 282.
Molecular consequence: frameshift variant. On other transcripts: intron variant (2).
Genome position (GRCh38, 1-based): chr11:68,794,839, A deleted on the plus strand (T on the coding strand, the reverse complement: CPT1A is on the minus strand); the first of 3 consecutive A bases (chr11:68,794,839-68,794,841); deleting any one gives the same sequence. VCF-style (leftmost placement, unchanged base first): chr11-68794838-TA-T. GRCh37 (hg19) VCF-style: chr11-68562306-TA-T.
Other names: c.844del, p.Tyr282fs (NM_001031847.3, NM_001440358.1, NM_001440359.1 and 4 more transcripts); c.772-1437del (NM_001440363.1); c.694-1437del (NM_001440365.1); short protein forms Y282fs.
Identifiers: ClinVar variation 5011297 (VCV005011297.1).

ClinVar aggregate classification (germline): Pathogenic (1 of 4 stars; one submission).

Conditions:
Carnitine palmitoyl transferase 1A deficiency. Also called: Carnitine palmitoyltransferase 1A deficiency; CPT deficiency, hepatic, type IA; Carnitine palmitoyltransferase type I deficiency; CPT I DEFICIENCY; CPT DEFICIENCY, HEPATIC, TYPE I. Identifiers: Orphanet 156, MedGen C1829703, MONDO:0009705, OMIM 255120.

Submission:

Myriad Genetics, Inc.
Classification: Pathogenic for Carnitine palmitoyl transferase 1A deficiency. Last evaluated: 2023-08-09. Review status: criteria provided, single submitter. Criteria: Myriad Autosomal Dominant, Autosomal Recessive and X-Linked Classification Criteria (2023). Collection method: clinical testing. Allele origin: unknown.
Comment: NM_001876.3(CPT1A):c.844delT(Y282Tfs*47) is expected to be pathogenic in the context of carnitine palmitoyltransferase IA deficiency. This variant is predicted to lead to an abnormal or absent protein product due to the creation of a premature termination codon in CPT1A, a gene where loss-of-function variants are known to be pathogenic. Please note: this variant was assessed in the context of healthy population screening.